The following is an entry in ClinVar:

ClinVar aggregate classification (germline): Pathogenic. Review status: criteria provided, multiple submitters, no conflicts (2 of 4 stars). 2 submissions from 2 submitters: Pathogenic (2). Last evaluated 2026-04-20.

Conditions:
Short stature and advanced bone age, with or without early-onset osteoarthritis and/or osteochondritis dissecans (SSOAOD). Identifiers: Orphanet 251262, MedGen C3665488, MONDO:0100462, OMIM 165800.

Submissions (2):

Institute of Human Genetics, University of Leipzig Medical Center
Classification: Pathogenic for Short stature and advanced bone age, with or without early-onset osteoarthritis and/or osteochondritis dissecans. Last evaluated: 2026-04-20. Review status: criteria provided, single submitter. Criteria: ACMG Guidelines, 2015. Collection method: clinical testing. Allele origin: unknown. Inheritance: Autosomal dominant inheritance. Affected: yes.
Comment: Criteria applied: PVS1,PM2,PS4_SUP,PP4

CeGaT Center for Human Genetics Tuebingen
Classification: Pathogenic. Last evaluated: 2025-03-01. Review status: criteria provided, single submitter. Criteria: CeGaT Center For Human Genetics Tuebingen Variant Classification Criteria Version 2. Collection method: clinical testing. Allele origin: germline. Affected: yes. Observed: 1 variant allele.
Comment: ACAN: PVS1, PM2

NM_001369268.1(ACAN):c.220A>T (p.Lys74Ter)

Gene: ACAN (aggrecan; plus strand). Cytogenetic location: 15q26.1.
Variant type: single nucleotide variant.
Coding change: c.220A>T on transcript NM_001369268.1 (MANE Select); coding-DNA position 220, A replaced by T.
Protein change: p.Lys74Ter; replaces lysine 74 with a stop codon.
Molecular consequence: nonsense.
Genome position (GRCh38, 1-based): chr15:88,838,812, A>T. VCF-style: chr15-88838812-A-T. GRCh37 (hg19) VCF-style: chr15-89382043-A-T.
Other names: c.220A>T, p.Lys74Ter (NM_001135.4, NM_001411096.1, NM_001411097.1 and 1 more transcripts); short protein forms K74*.
Identifiers: ClinVar variation 3898520 (VCV003898520.8).